The following is an entry in ClinVar:

ClinVar aggregate classification (germline): Uncertain significance (0 of 4 stars; one submission).

Conditions:
KDM4B-related disorder. Also called: KDM4B-related condition.

Allele frequency attached by ClinVar (database versions not stated): gnomAD 0.00001.

Submission:

PreventionGenetics, part of Exact Sciences
Classification: Uncertain significance for KDM4B-related condition. Last evaluated: 2023-12-26. Review status: no assertion criteria provided. Collection method: clinical testing. Allele origin: germline.
Comment: The KDM4B c.2937G>C variant is predicted to result in the amino acid substitution p.Glu979Asp. To our knowledge, this variant has not been reported in the literature. This variant is reported in 0.0033% of alleles in individuals of South Asian descent in gnomAD. At this time, the clinical significance of this variant is uncertain due to the absence of conclusive functional and genetic evidence.

NM_015015.3(KDM4B):c.2937G>C (p.Glu979Asp)

Gene: KDM4B (lysine demethylase 4B; plus strand). Cytogenetic location: 19p13.3.
Variant type: single nucleotide variant.
Coding change: c.2937G>C on transcript NM_015015.3 (MANE Select); coding-DNA position 2937, G replaced by C.
Protein change: p.Glu979Asp; replaces glutamic acid 979 with aspartic acid.
Molecular consequence: missense variant.
Genome position (GRCh38, 1-based): chr19:5,144,818, G>C. VCF-style: chr19-5144818-G-C. GRCh37 (hg19) VCF-style: chr19-5144829-G-C.
Other names: c.3039G>C, p.Glu1013Asp (NM_001411148.1); short protein forms E1013D, E979D.
Identifiers: ClinVar variation 3032480 (VCV003032480.2), dbSNP rs1029259660, ClinGen allele CA304590617.